The following is an entry in ClinVar:

NM_017617.5(NOTCH1):c.865+240A>G

Gene: NOTCH1 (notch receptor 1; minus strand). Cytogenetic location: 9q34.3.
Variant type: single nucleotide variant.
Coding change: c.865+240A>G on transcript NM_017617.5 (MANE Select); 240 bases into the intron after coding-DNA position 865, A replaced by G.
Molecular consequence: intron variant.
Genome position (GRCh38, 1-based): chr9:136,519,203, T>C on the plus strand (A>G on the coding strand, the complement: NOTCH1 is on the minus strand). VCF-style: chr9-136519203-T-C. GRCh37 (hg19) VCF-style: chr9-139413655-T-C.
Identifiers: ClinVar variation 679629 (VCV000679629.1), dbSNP rs142543972, ClinGen allele CA201587755.

ClinVar aggregate classification (germline): Likely benign (1 of 4 stars; one submission).

Allele frequency attached by ClinVar (database versions not stated): gnomAD 0.00704 and 0.00740; TOPMed 0.00756; 1000 Genomes Project 0.00879; 1000 Genomes Project 30x 0.00890.
gnomAD v4.1: 1,055 of 152,248 alleles (0.69%); highest among the groups gnomAD compares: African/African-American, 2.4%; 15 homozygotes.

Submission:

GeneDx
Classification: Likely benign. Last evaluated: 2018-06-14. Review status: criteria provided, single submitter. Criteria: GeneDx Variant Classification (06012015). Collection method: clinical testing. Allele origin: germline. Affected: yes.
Comment: This variant is considered likely benign or benign based on one or more of the following criteria: it is a conservative change, it occurs at a poorly conserved position in the protein, it is predicted to be benign by multiple in silico algorithms, and/or has population frequency not consistent with disease.